The following is an entry in ClinVar:

NM_199242.3(UNC13D):c.1156C>T (p.Arg386Trp)

Gene: UNC13D (unc-13 homolog D; minus strand). Cytogenetic location: 17q25.1.
Variant type: single nucleotide variant.
Coding change: c.1156C>T on transcript NM_199242.3 (MANE Select); coding-DNA position 1156, C replaced by T.
Protein change: p.Arg386Trp; replaces arginine 386 with tryptophan.
Molecular consequence: missense variant.
Genome position (GRCh38, 1-based): chr17:75,836,818, G>A on the plus strand (C>T on the coding strand, the complement: UNC13D is on the minus strand). VCF-style: chr17-75836818-G-A. GRCh37 (hg19) VCF-style: chr17-73832899-G-A.
Other names: c.1156C>T (NM_199242.2); short protein forms R386W.
Identifiers: ClinVar variation 1037218 (VCV001037218.6), dbSNP rs536336944, ClinGen allele CA8773113.

ClinVar aggregate classification (germline): Uncertain significance. Review status: criteria provided, multiple submitters, no conflicts (2 of 4 stars). 2 submissions from 2 submitters: Uncertain significance (2). Last evaluated 2023-05-12.

Conditions:
UNC13D-related disorder. Also called: UNC13D-related condition.
Familial hemophagocytic lymphohistiocytosis 3 (FHL3). Also called: UNC13D-Related Familial Hemophagocytic Lymphohistiocytosis (UNC13D-fHLH). Identifiers: Orphanet 540, MedGen C1837174, MONDO:0012146, OMIM 608898.

Allele frequency attached by ClinVar (database versions not stated): gnomAD 0.00005; gnomAD exomes 0.00012 and 0.00010; TOPMed 0.00005; ExAC 0.00012.
gnomAD v4.1: 178 of 1,613,786 alleles (0.011%); highest among the groups gnomAD compares: Admixed American, 0.013%; 1 homozygote.

Submissions (2):

PreventionGenetics, part of Exact Sciences
Classification: Uncertain significance for UNC13D-related condition. Last evaluated: 2023-05-12. Review status: criteria provided, single submitter. Criteria: ACMG Guidelines, 2015. Collection method: clinical testing. Allele origin: germline.
Comment: The UNC13D c.1156C>T variant is predicted to result in the amino acid substitution p.Arg386Trp. To our knowledge, this variant has not been reported in the literature. This variant is reported in 0.028% of alleles in individuals of European (Finnish) descent in gnomAD. At this time, the clinical significance of this variant is uncertain due to the absence of conclusive functional and genetic evidence.

Labcorp Genetics (formerly Invitae), Labcorp
Classification: Uncertain significance for Familial hemophagocytic lymphohistiocytosis 3. Last evaluated: 2022-08-13. Review status: criteria provided, single submitter. Criteria: Invitae Variant Classification Sherloc (09022015). Collection method: clinical testing. Allele origin: germline.
Comment: This sequence change replaces arginine, which is basic and polar, with tryptophan, which is neutral and slightly polar, at codon 386 of the UNC13D protein (p.Arg386Trp). This variant is present in population databases (rs536336944, gnomAD 0.03%). This variant has not been reported in the literature in individuals affected with UNC13D-related conditions. ClinVar contains an entry for this variant (Variation ID: 1037218). Algorithms developed to predict the effect of missense changes on protein structure and function are either unavailable or do not agree on the potential impact of this missense change (SIFT: "Not Available"; PolyPhen-2: "Probably Damaging"; Align-GVGD: "Not Available"). In summary, the available evidence is currently insufficient to determine the role of this variant in disease. Therefore, it has been classified as a Variant of Uncertain Significance.